The following is an entry in ClinVar:

NM_001733.7(C1R):c.310G>C (p.Glu104Gln)

Gene: C1R (complement C1r; minus strand). Cytogenetic location: 12p13.31.
Variant type: single nucleotide variant.
Coding change: c.310G>C on transcript NM_001733.7 (MANE Select); coding-DNA position 310, G replaced by C.
Protein change: p.Glu104Gln; replaces glutamic acid 104 with glutamine.
Molecular consequence: missense variant.
Genome position (GRCh38, 1-based): chr12:7,090,170, C>G on the plus strand (G>C on the coding strand, the complement: C1R is on the minus strand). VCF-style: chr12-7090170-C-G. GRCh37 (hg19) VCF-style: chr12-7242766-C-G.
Other names: c.352G>C, p.Glu118Gln (NM_001354346.2); short protein forms E104Q, E118Q.
Identifiers: ClinVar variation 4848097 (VCV004848097.1).

ClinVar aggregate classification (germline): Likely benign (1 of 4 stars; one submission).

gnomAD v4.1: 36 of 764,660 alleles (0.0047%); highest among the groups gnomAD compares: South Asian, 0.05%; no homozygotes.

Submission:

Women's Health and Genetics/Laboratory Corporation of America, LabCorp
Classification: Likely benign. Last evaluated: 2026-02-03. Review status: criteria provided, single submitter. Criteria: LabCorp Variant Classification Summary - May 2015. Collection method: clinical testing. Allele origin: germline.
Comment: Variant summary: C1R c.310G>C (p.Glu104Gln) results in a conservative amino acid change in the encoded protein sequence. Algorithms developed to predict the effect of missense changes on protein structure and function are either unavailable or do not agree on the potential impact of this missense change. The variant allele was found at a frequency of 7.2e-05 in 221054 control chromosomes, predominantly at a frequency of 0.00059 within the South Asian subpopulation in the gnomAD database. The observed variant frequency within South Asian control individuals in the gnomAD database exceeds the estimated maximal expected allele frequency for disease-causing variants in C1R. To our knowledge, no occurrence of c.310G>C in individuals affected with C1R-related conditions and no experimental evidence demonstrating its impact on protein function have been reported. No submitters have cited clinical-significance assessments for this variant to ClinVar. Based on the evidence outlined above, the variant was classified as likely benign.